The following is an entry in ClinVar:

NM_001330078.2(NRXN1):c.4457AAC[1] (p.Gln1487del)

Gene: NRXN1 (neurexin 1; minus strand). Cytogenetic location: 2p16.3.
Variant type: Microsatellite.
Coding change: c.4457AAC[1] on transcript NM_001330078.2 (MANE Select); one copy of the 3-base unit AAC starting at c.4457; the reference has two copies in a row; one copy, 3 bases deleted.
Protein change: p.Gln1487del; deletes glutamine 1487.
Genome position (GRCh38, 1-based): chr2:49,922,006-49,922,008, GTT deleted on the plus strand (AAC on the coding strand, the reverse complement: NRXN1 is on the minus strand); deleting any 3 consecutive bases within chr2:49,922,006-49,922,011 gives the same sequence; the position shown is the placement nearest the transcript's 3' end. VCF-style (leftmost placement, unchanged base first): chr2-49922005-GGTT-G. GRCh37 (hg19) VCF-style: chr2-50149143-GGTT-G.
Other names: c.4577AAC[1], p.Gln1527del (NM_001135659.3); c.362AAC[1], p.Gln122del (NM_001320156.4); c.353AAC[1], p.Gln119del (NM_001320157.4); c.4433AAC[1], p.Gln1479del (NM_001330077.2); c.4424AAC[1], p.Gln1476del (NM_001330082.2); c.4316AAC[1], p.Gln1440del (NM_001330095.2); c.4247AAC[1], p.Gln1417del (NM_001330096.2); c.1253AAC[1], p.Gln419del (NM_001330097.2); and 12 more; short protein forms Q119del, Q1427del, Q1465del, Q1480del, Q1486del, Q1527del, Q422del, Q449del.
Identifiers: ClinVar variation 3633644 (VCV003633644.2).

ClinVar aggregate classification (germline): Uncertain significance (1 of 4 stars; one submission).

Conditions:
Pitt-Hopkins-like syndrome 2 (PTHSL2). Identifiers: Orphanet 221150, Orphanet 600663, MedGen C3280479, MONDO:0013690, OMIM 614325.

Submission:

Labcorp Genetics (formerly Invitae), Labcorp
Classification: Uncertain significance for Pitt-Hopkins-like syndrome 2. Last evaluated: 2024-10-08. Review status: criteria provided, single submitter. Criteria: Invitae Variant Classification Sherloc (09022015). Collection method: clinical testing. Allele origin: germline.
Comment: This variant, c.4580_4582del, results in the deletion of 1 amino acid(s) of the NRXN1 protein (p.Gln1527del), but otherwise preserves the integrity of the reading frame. This variant is not present in population databases (gnomAD no frequency). This variant has not been reported in the literature in individuals affected with NRXN1-related conditions. Experimental studies and prediction algorithms are not available or were not evaluated, and the functional significance of this variant is currently unknown. In summary, the available evidence is currently insufficient to determine the role of this variant in disease. Therefore, it has been classified as a Variant of Uncertain Significance.